The following is an entry in ClinVar:

NM_001127511.3(APC):c.-157G>A

Gene: APC (APC regulator of Wnt signaling pathway; plus strand). Cytogenetic location: 5q22.2.
Variant type: single nucleotide variant.
Coding change: c.-157G>A on transcript NM_001127511.3; 157 bases upstream of the start codon, G replaced by A.
Molecular consequence: 5 prime UTR variant. On other transcripts: non-coding transcript variant (2).
Genome position (GRCh38, 1-based): chr5:112,707,561, G>A. VCF-style: chr5-112707561-G-A. GRCh37 (hg19) VCF-style: chr5-112043258-G-A.
Other names: c.-340G>A (NM_001354895.2, NM_001407447.1, NM_001407452.1 and 3 more transcripts); c.-157G>A (NM_001354897.2, NM_001354902.2, NM_001407446.1); c.-107G>A (NM_001407448.1, NM_001407450.1, NM_001407457.1 and 1 more transcripts); c.-131G>A (NM_001407453.1); c.-1375G>A (NM_001407470.1, NM_001407472.1).
Identifiers: ClinVar variation 469845 (VCV000469845.9), dbSNP rs1554060197, ClinGen allele CA658655889.

ClinVar aggregate classification (germline): Uncertain significance (1 of 4 stars; one submission).

Conditions:
Familial adenomatous polyposis 1 (FAP1). Also called: FAMILIAL ADENOMATOUS POLYPOSIS 1, ATTENUATED; POLYPOSIS, ADENOMATOUS INTESTINAL. Identifiers: MedGen C2713442, MONDO:0021056, OMIM 175100. Disease mechanism: loss of function.

Allele frequency attached by ClinVar (database versions not stated): gnomAD exomes 0.00001.
gnomAD v4.1: 3 of 690,796 alleles (0.00043%); highest among the groups gnomAD compares: Non-Finnish European, 0.00066%; no homozygotes.

Submission:

Labcorp Genetics (formerly Invitae), Labcorp
Classification: Uncertain significance for Familial adenomatous polyposis 1. Last evaluated: 2024-06-10. Review status: criteria provided, single submitter. Criteria: Invitae Variant Classification Sherloc (09022015). Collection method: clinical testing. Allele origin: germline.
Comment: This variant occurs in a non-coding region of the APC gene. It does not change the encoded amino acid sequence of the APC protein. This variant is not present in population databases (gnomAD no frequency). This variant has not been reported in the literature in individuals affected with APC-related conditions. ClinVar contains an entry for this variant (Variation ID: 469845). Experimental studies and prediction algorithms are not available or were not evaluated, and the functional significance of this variant is currently unknown. In summary, the available evidence is currently insufficient to determine the role of this variant in disease. Therefore, it has been classified as a Variant of Uncertain Significance.